The following is an entry in ClinVar:

ClinVar aggregate classification (germline): Conflicting classifications of pathogenicity. Review status: criteria provided, conflicting classifications (1 of 4 stars). 3 submissions from 3 submitters: Uncertain significance (2); Benign (1). Last evaluated 2025-08-20.

Conditions:
Primary ciliary dyskinesia. Also called: Ciliary dyskinesia. Identifiers: Orphanet 244, MedGen C0008780, MONDO:0016575, HP:0012265.

Allele frequency attached by ClinVar (database versions not stated): gnomAD 0.00004; TOPMed 0.00005; ExAC 0.00009; gnomAD exomes 0.00009; ESP Exome Variant Server 0.00017.
gnomAD v4.1: 128 of 1,613,186 alleles (0.0079%); highest among the groups gnomAD compares: Non-Finnish European, 0.0096%; no homozygotes.

Submissions (3):

Labcorp Genetics (formerly Invitae), Labcorp
Classification: Benign for Primary ciliary dyskinesia. Last evaluated: 2025-08-20. Review status: criteria provided, single submitter. Criteria: Invitae Variant Classification Sherloc (09022015). Collection method: clinical testing. Allele origin: germline.

GeneDx
Classification: Uncertain significance. Last evaluated: 2024-06-07. Review status: criteria provided, single submitter. Criteria: GeneDx Variant Classification Process June 2021. Collection method: clinical testing. Allele origin: germline. Affected: yes.
Comment: In silico analysis supports that this missense variant has a deleterious effect on protein structure/function; Has not been previously published as pathogenic or benign to our knowledge

Ambry Genetics
Classification: Uncertain significance for Primary ciliary dyskinesia. Last evaluated: 2023-05-24. Review status: criteria provided, single submitter. Criteria: Ambry Variant Classification Scheme 2023. Collection method: clinical testing. Allele origin: germline.

NM_001277115.2(DNAH11):c.10090C>T (p.Arg3364Trp)

Gene: DNAH11 (dynein axonemal heavy chain 11; plus strand). Cytogenetic location: 7p15.3.
Variant type: single nucleotide variant.
Coding change: c.10090C>T on transcript NM_001277115.2 (MANE Select); coding-DNA position 10090, C replaced by T.
Protein change: p.Arg3364Trp; replaces arginine 3364 with tryptophan.
Molecular consequence: missense variant.
Genome position (GRCh38, 1-based): chr7:21,801,200, C>T. VCF-style: chr7-21801200-C-T. GRCh37 (hg19) VCF-style: chr7-21840818-C-T.
Other names: c.10111C>T, p.Arg3371Trp (NM_003777.3); short protein forms R3364W, R3371W.
Identifiers: ClinVar variation 2522665 (VCV002522665.6), dbSNP rs377042231, ClinGen allele CA4182227.